The following is an entry in ClinVar:

NM_017802.4(DNAAF5):c.671G>A (p.Arg224His)

Gene: DNAAF5 (dynein axonemal assembly factor 5; plus strand). Cytogenetic location: 7p22.3.
Variant type: single nucleotide variant.
Coding change: c.671G>A on transcript NM_017802.4 (MANE Select); coding-DNA position 671, G replaced by A.
Protein change: p.Arg224His; replaces arginine 224 with histidine.
Molecular consequence: missense variant. On other transcripts: non-coding transcript variant (1).
Genome position (GRCh38, 1-based): chr7:729,738, G>A. VCF-style: chr7-729738-G-A. GRCh37 (hg19) VCF-style: chr7-769375-G-A.
Other names: short protein forms R224H.
Identifiers: ClinVar variation 525316 (VCV000525316.8), dbSNP rs1395390854, ClinGen allele CA366531823.

ClinVar aggregate classification (germline): Uncertain significance. Review status: criteria provided, multiple submitters, no conflicts (2 of 4 stars). 2 submissions from 2 submitters: Uncertain significance (2). Last evaluated 2022-04-25.

Conditions:
Primary ciliary dyskinesia. Also called: Ciliary dyskinesia. Identifiers: Orphanet 244, MedGen C0008780, MONDO:0016575, HP:0012265.

Allele frequency attached by ClinVar (database versions not stated): gnomAD exomes below 0.00001; gnomAD 0.00001.
gnomAD v4.1: 8 of 1,614,022 alleles (0.0005%); highest among the groups gnomAD compares: African/African-American, 0.0013%; no homozygotes.

Submissions (2):

Ambry Genetics
Classification: Uncertain significance for Primary ciliary dyskinesia. Last evaluated: 2022-04-25. Review status: criteria provided, single submitter. Criteria: Ambry Variant Classification Scheme 2023. Collection method: clinical testing. Allele origin: germline.

Labcorp Genetics (formerly Invitae), Labcorp
Classification: Uncertain significance for Primary ciliary dyskinesia. Last evaluated: 2017-11-02. Review status: criteria provided, single submitter. Criteria: Invitae Variant Classification Sherloc (09022015). Collection method: clinical testing. Allele origin: germline.
Comment: In summary, the available evidence is currently insufficient to determine the role of this variant in disease. Therefore, it has been classified as a Variant of Uncertain Significance. Algorithms developed to predict the effect of missense changes on protein structure and function do not agree on the potential impact of this missense change (SIFT: "Deleterious"; PolyPhen-2: "Probably Damaging"; Align-GVGD: "Class C0"). This variant has not been reported in the literature in individuals with DNAAF5-related disease. This variant is not present in population databases (ExAC no frequency). This sequence change replaces arginine with histidine at codon 224 of the DNAAF5 protein (p.Arg224His). The arginine residue is highly conserved and there is a small physicochemical difference between arginine and histidine.